The following is an entry in ClinVar:

NM_001035.3(RYR2):c.8014G>A (p.Val2672Ile)

Gene: RYR2 (ryanodine receptor 2; plus strand). Cytogenetic location: 1q43.
Variant type: single nucleotide variant.
Coding change: c.8014G>A on transcript NM_001035.3 (MANE Select); coding-DNA position 8014, G replaced by A.
Protein change: p.Val2672Ile; replaces valine 2672 with isoleucine.
Molecular consequence: missense variant.
Genome position (GRCh38, 1-based): chr1:237,655,869, G>A. VCF-style: chr1-237655869-G-A. GRCh37 (hg19) VCF-style: chr1-237819169-G-A.
Other names: short protein forms V2672I.
Identifiers: ClinVar variation 3385786 (VCV003385786.1).

ClinVar aggregate classification (germline): Uncertain significance (1 of 4 stars; one submission).

Conditions:
Catecholaminergic polymorphic ventricular tachycardia (CVPT). Also called: Catecholamine-induced polymorphic ventricular tachycardia. Identifiers: Orphanet 3286, MedGen C5574922, MONDO:0017990.

Submission:

All of Us Research Program, National Institutes of Health
Classification: Uncertain significance for Catecholaminergic polymorphic ventricular tachycardia. Last evaluated: 2024-02-22. Review status: criteria provided, single submitter. Criteria: ACMG Guidelines, 2015. Collection method: clinical testing. Allele origin: germline. Inheritance: Autosomal dominant inheritance. Observed: 1 variant allele, 1 heterozygote.
Comment: This missense variant replaces valine with isoleucine at codon 2672 of the RYR2 protein. Computational prediction suggests that this variant may not impact protein structure and function (internally defined REVEL score threshold <= 0.5, PMID: 27666373). To our knowledge, functional studies have not been reported for this variant. This variant has not been reported in individuals affected with RYR2-related disorders in the literature. This variant has not been identified in the general population by the Genome Aggregation Database (gnomAD). The available evidence is insufficient to determine the role of this variant in disease conclusively. Therefore, this variant is classified as a Variant of Uncertain Significance.

This study involves interpretation of variants in research participants for the purpose of population health screening. Participant phenotype was not available at the time of variant classification. Additional details can be found in publication PMID: 35346344, PMCID: PMC8962531